The following is an entry in ClinVar:

NC_000009.11:g.(?_334205)_(847163_?)dup

Genes: DMRT1 (doublesex and mab-3 related transcription factor 1; plus strand), DOCK8 (dedicator of cytokinesis 8; plus strand), KANK1 (KN motif and ankyrin repeat domains 1; plus strand). Cytogenetic location: 9p24.3.
Variant type: Duplication.
Identifiers: ClinVar variation 3245366 (VCV003245366.1).

ClinVar aggregate classification (germline): Uncertain significance (1 of 4 stars; one submission).

Submission:

Labcorp Genetics (formerly Invitae), Labcorp
Classification: Uncertain significance. Last evaluated: 2023-06-10. Review status: criteria provided, single submitter. Criteria: Invitae Variant Classification Sherloc (09022015). Collection method: clinical testing. Allele origin: unknown.
Comment: In summary, the available evidence is currently insufficient to determine the role of this variant in disease. Therefore, it has been classified as a Variant of Uncertain Significance. This variant has not been reported in the literature in individuals affected with DMRT1-related conditions. This variant results in a copy number gain of the genomic region encompassing exon(s) 1-2 of the DMRT1 gene. This region includes the initiator codon of the gene. This copy number gain extends beyond the assayed region for this gene and therefore may encompass additional genes. As the precise location of this event is unknown, it may be in tandem or it may be located elsewhere in the genome.